The following is an entry in ClinVar:

ClinVar aggregate classification (germline): Likely benign. Review status: criteria provided, single submitter (1 of 4 stars). 2 submissions from 2 submitters: Likely benign (1). 1 of the submissions does not count toward it. Last evaluated 2021-01-15.

Conditions:
Familial cancer of breast. Also called: hereditary breast carcinoma; BREAST CANCER, FAMILIAL; Hereditary breast cancer. Identifiers: Orphanet 227535, MedGen C0346153, MONDO:0016419, OMIM 114480. Disease mechanism: loss of function.

Submissions (2):

Labcorp Genetics (formerly Invitae), Labcorp
Classification: Likely benign for Familial cancer of breast. Last evaluated: 2021-01-15. Review status: criteria provided, single submitter. Criteria: Invitae Variant Classification Sherloc (09022015). Collection method: clinical testing. Allele origin: germline.

Leiden Open Variation Database
Classification: Uncertain significance. Last evaluated: 2018-10-10. Review status: no assertion criteria provided. Collection method: curation. Allele origin: germline. Affected: yes. Not counted in ClinVar's aggregate classification.
Comment: Curators: Marc Tischkowitz, Arleen D. Auerbach. Submitter to LOVD: Yukihide Momozawa.

Literature cited by the submitters: PubMed 30287823 (cited by Leiden Open Variation Database).

NM_024675.4(PALB2):c.2055A>G (p.Lys685=)

Gene: PALB2 (partner and localizer of BRCA2; minus strand). Cytogenetic location: 16p12.2.
Variant type: single nucleotide variant.
Coding change: c.2055A>G on transcript NM_024675.4 (MANE Select); coding-DNA position 2055, A replaced by G.
Protein change: p.Lys685=; no amino-acid change (lysine 685 retained).
Molecular consequence: synonymous variant.
Genome position (GRCh38, 1-based): chr16:23,630,099, T>C on the plus strand (A>G on the coding strand, the complement: PALB2 is on the minus strand). VCF-style: chr16-23630099-T-C. GRCh37 (hg19) VCF-style: chr16-23641420-T-C.
Identifiers: ClinVar variation 756887 (VCV000756887.12), dbSNP rs1597090304, ClinGen allele CA494461030.